The following is an entry in ClinVar:

ClinVar aggregate classification (germline): Uncertain significance (1 of 4 stars; one submission).

Submission:

Labcorp Genetics (formerly Invitae), Labcorp
Classification: Uncertain significance. Last evaluated: 2025-06-15. Review status: criteria provided, single submitter. Criteria: Invitae Variant Classification Sherloc (09022015). Collection method: clinical testing. Allele origin: germline.
Comment: This sequence change replaces glycine, which is neutral and non-polar, with serine, which is neutral and polar, at codon 1166 of the COL11A1 protein (p.Gly1166Ser). This variant is not present in population databases (gnomAD no frequency). This variant has not been reported in the literature in individuals affected with COL11A1-related conditions. Invitae Evidence Modeling of protein sequence and biophysical properties (such as structural, functional, and spatial information, amino acid conservation, physicochemical variation, residue mobility, and thermodynamic stability) indicates that this missense variant is not expected to disrupt COL11A1 protein function with a negative predictive value of 80%. In summary, the available evidence is currently insufficient to determine the role of this variant in disease. Therefore, it has been classified as a Variant of Uncertain Significance.

NM_001854.4(COL11A1):c.3496G>A (p.Gly1166Ser)

Gene: COL11A1 (collagen type XI alpha 1 chain; minus strand). Cytogenetic location: 1p21.1.
Variant type: single nucleotide variant.
Coding change: c.3496G>A on transcript NM_001854.4 (MANE Select); coding-DNA position 3496, G replaced by A.
Protein change: p.Gly1166Ser; replaces glycine 1166 with serine.
Molecular consequence: missense variant. On other transcripts: non-coding transcript variant (1).
Genome position (GRCh38, 1-based): chr1:102,934,553, C>T on the plus strand (G>A on the coding strand, the complement: COL11A1 is on the minus strand). VCF-style: chr1-102934553-C-T. GRCh37 (hg19) VCF-style: chr1-103400109-C-T.
Other names: c.3379G>A, p.Gly1127Ser (NM_001190709.2); c.3532G>A, p.Gly1178Ser (NM_080629.3); c.3148G>A, p.Gly1050Ser (NM_080630.4); short protein forms G1127S, G1178S, G1050S, G1166S.
Identifiers: ClinVar variation 4744687 (VCV004744687.1).